The following is an entry in ClinVar:

NM_007254.4(PNKP):c.937-11_937-10del

Gene: PNKP (polynucleotide kinase 3'-phosphatase; minus strand). Cytogenetic location: 19q13.33.
Variant type: Deletion.
Coding change: c.937-11_937-10del on transcript NM_007254.4 (MANE Select); 11 bases into the intron before coding-DNA position 937 through 10 bases into the intron before coding-DNA position 937, 2 bases deleted (TC; older notation c.937-11_937-10delTC).
Molecular consequence: intron variant.
Genome position (GRCh38, 1-based): chr19:49,862,473-49,862,474, GA deleted on the plus strand (TC on the coding strand, the reverse complement: PNKP is on the minus strand); deleting any 2 consecutive bases within chr19:49,862,473-49,862,475 gives the same sequence; the c. name uses the placement nearest the transcript's 3' end. VCF-style (leftmost placement, unchanged base first): chr19-49862472-TGA-T. GRCh37 (hg19) VCF-style: chr19-50365729-TGA-T.
Other names: c.937-11_937-10delTC (NM_007254.4).
Identifiers: ClinVar variation 418421 (VCV000418421.16), dbSNP rs769234730, ClinGen allele CA9586677.

ClinVar aggregate classification (germline): Conflicting classifications of pathogenicity. Review status: criteria provided, conflicting classifications (1 of 4 stars). 4 submissions from 4 submitters: Uncertain significance (3); Likely benign (1). Last evaluated 2025-05-29.

Conditions:
Developmental and epileptic encephalopathy, 12 (DEE12). Identifiers: MedGen C3150988, MONDO:0013389, OMIM 613722.

Submissions (4):

Women's Health and Genetics/Laboratory Corporation of America, LabCorp
Classification: Uncertain significance. Last evaluated: 2025-05-29. Review status: criteria provided, single submitter. Criteria: LabCorp Variant Classification Summary - May 2015. Collection method: clinical testing. Allele origin: germline.
Comment: Variant summary: PNKP c.937-11_937-10delTC alters a nucleotide located at a position not widely known to affect splicing. Several computational tools predict a significant impact on normal splicing: Two predict the variant abolishes a 3' acceptor site. Two predict the variant weakens a 3' acceptor site. However, these predictions have yet to be confirmed by functional studies. The variant allele was found at a frequency of 7e-05 in 213078 control chromosomes. This frequency is not significantly higher than estimated for a pathogenic variant in PNKP causing Ataxia - oculomotor apraxia type 4 (7e-05 vs 0.0011), allowing no conclusion about variant significance. To our knowledge, no occurrence of c.937-11_937-10delTC in individuals affected with Ataxia - oculomotor apraxia type 4 and no experimental evidence demonstrating its impact on protein function have been reported. ClinVar contains an entry for this variant (Variation ID: 418421). Based on the evidence outlined above, the variant was classified as uncertain significance.

GeneDx
Classification: Uncertain significance. Last evaluated: 2025-05-15. Review status: criteria provided, single submitter. Criteria: GeneDx Variant Classification Process June 2021. Collection method: clinical testing. Allele origin: germline. Affected: yes.
Comment: Has not been previously published as pathogenic or benign to our knowledge; In silico analysis is inconclusive as to whether the variant alters gene splicing. In the absence of RNA/functional studies, the actual effect of this sequence change is unknown.

Labcorp Genetics (formerly Invitae), Labcorp
Classification: Likely benign for Developmental and epileptic encephalopathy, 12. Last evaluated: 2025-01-27. Review status: criteria provided, single submitter. Criteria: Invitae Variant Classification Sherloc (09022015). Collection method: clinical testing. Allele origin: germline.

Blueprint Genetics
Classification: Uncertain significance. Last evaluated: 2023-11-17. Review status: criteria provided, single submitter. Criteria: ACMG Guidelines, 2015. Collection method: clinical testing. Allele origin: germline.